The following is an entry in ClinVar:

ClinVar aggregate classification (germline): Uncertain significance (1 of 4 stars; one submission).

Submission:

CeGaT Center for Human Genetics Tuebingen
Classification: Uncertain significance. Last evaluated: 2023-10-01. Review status: criteria provided, single submitter. Criteria: CeGaT Center For Human Genetics Tuebingen Variant Classification Criteria Version 2. Collection method: clinical testing. Allele origin: germline. Affected: yes. Observed: 1 variant allele.
Comment: MSH4: PM2, BP4

NM_002440.4(MSH4):c.71G>T (p.Arg24Leu)

Gene: MSH4 (mutS homolog 4; plus strand). Cytogenetic location: 1p31.1.
Variant type: single nucleotide variant.
Coding change: c.71G>T on transcript NM_002440.4 (MANE Select); coding-DNA position 71, G replaced by T.
Protein change: p.Arg24Leu; replaces arginine 24 with leucine.
Molecular consequence: missense variant.
Genome position (GRCh38, 1-based): chr1:75,797,056, G>T. VCF-style: chr1-75797056-G-T. GRCh37 (hg19) VCF-style: chr1-76262741-G-T.
Other names: short protein forms R24L.
Identifiers: ClinVar variation 2638885 (VCV002638885.24), dbSNP rs1206991420, ClinGen allele CA340826642.
Genomic context (GRCh38, chr1:75,797,056, plus strand): 5'-CTGAGATCTCATCAACCTCGCCTTCTGCCCCGGCGGTTTCCCCGTCGTCGGGAGAAACCC[G>T]CTCACCTCAGGGTCCCCGCTACAATTTCGGACTCCAGGAGACTCCACAGAGCCGCCCTTC-3'
Protein context (NP_002431.2, residues 14-34): PAVSPSSGET[Arg24Leu]SPQGPRYNFG